The following is an entry in ClinVar:

ClinVar aggregate classification (germline): Uncertain significance (1 of 4 stars; one submission).

Conditions:
SMPD1-related disorder. Also called: SMPD1-related condition.

Submission:

PreventionGenetics, part of Exact Sciences
Classification: Uncertain significance for SMPD1-related condition. Last evaluated: 2025-08-06. Review status: criteria provided, single submitter. Criteria: ACMG Guidelines, 2015. Collection method: clinical testing. Allele origin: germline.
Comment: The SMPD1 c.106_107delinsCC variant is predicted to result in an in-frame deletion and insertion. To our knowledge, this variant has not been reported in the literature or in a large population database (gnomAD), indicating this variant is rare. At this time, the clinical significance of this variant is uncertain due to the absence of conclusive functional and genetic evidence.

NM_000543.5(SMPD1):c.106_107delinsCC (p.Val36Pro)

Gene: SMPD1 (sphingomyelin phosphodiesterase 1; plus strand). Cytogenetic location: 11p15.4.
Variant type: Indel.
Coding change: c.106_107delinsCC on transcript NM_000543.5 (MANE Select); coding-DNA positions 106 to 107, GT replaced by CC.
Protein change: p.Val36Pro; replaces valine 36 with proline.
Molecular consequence: missense variant. On other transcripts: 5 prime UTR variant (1), non-coding transcript variant (2).
Genome position (GRCh38, 1-based): chr11:6,390,704-6,390,705, GT replaced by CC. VCF-style: chr11-6390704-GT-CC. GRCh37 (hg19) VCF-style: chr11-6411934-GT-CC.
Other names: c.106_107delinsCC, p.Val36Pro (NM_001007593.3, NM_001318087.2, NM_001365135.2); c.-856_-855delinsCC (NM_001318088.2); short protein forms V36P.
Identifiers: ClinVar variation 4977882 (VCV004977882.1).
Genomic context (GRCh38, chr11:6,390,704, plus strand): 5'-GGCCGGGAGCAGGGACAAGACGGGACCGCCGGAGCCCCCGGACTCCTTTGGATGGGCCTG[GT>CC]GCTGGCGCTGGCGCTGGCGCTGGCGCTGGCGCTGGCTCTGTCTGACTCTCGGGTTCTCTG-3'
Protein context (NP_000534.3, residues 26-46): GAPGLLWMGL[Val36Pro]LALALALALA